The following is an entry in ClinVar:

NM_001940.4(ATN1):c.1473G>A (p.Gln491=)

Genes: ATN1 (atrophin 1; plus strand), LOC109461484 (atrophin 1 repeat instability region; plus strand). Cytogenetic location: 12p13.31.
Variant type: single nucleotide variant.
Coding change: c.1473G>A on transcript NM_001940.4 (MANE Select); coding-DNA position 1473, G replaced by A.
Protein change: p.Gln491=; no amino-acid change (glutamine 491 retained).
Molecular consequence: synonymous variant.
Genome position (GRCh38, 1-based): chr12:6,936,740, G>A. VCF-style: chr12-6936740-G-A. GRCh37 (hg19) VCF-style: chr12-7045903-G-A.
Other names: c.1473G>A, p.Gln491= (NM_001007026.2, NM_001424176.1, NM_001424177.1 and 1 more transcripts); c.1470G>A, p.Gln490= (NM_001424179.1, NM_001424180.1, NM_001424182.1).
Identifiers: ClinVar variation 3904852 (VCV003904852.10).

ClinVar aggregate classification (germline): Likely benign (1 of 4 stars; one submission).

Submission:

CeGaT Center for Human Genetics Tuebingen
Classification: Likely benign. Last evaluated: 2026-03-01. Review status: criteria provided, single submitter. Criteria: CeGaT Center For Human Genetics Tuebingen Variant Classification Criteria Version 2. Collection method: clinical testing. Allele origin: germline. Affected: yes. Observed: 4 variant alleles.
Comment: ATN1: BP4, BP7